The following is an entry in ClinVar:

NM_001379500.1(COL18A1):c.1520G>A (p.Arg507His)

Gene: COL18A1 (collagen type XVIII alpha 1 chain; plus strand). Cytogenetic location: 21q22.3.
Variant type: single nucleotide variant.
Coding change: c.1520G>A on transcript NM_001379500.1 (MANE Select); coding-DNA position 1520, G replaced by A.
Protein change: p.Arg507His; replaces arginine 507 with histidine.
Molecular consequence: missense variant.
Genome position (GRCh38, 1-based): chr21:45,480,767, G>A. VCF-style: chr21-45480767-G-A. GRCh37 (hg19) VCF-style: chr21-46900681-G-A.
Other names: c.2060G>A, p.Arg687His (NM_030582.4); c.2765G>A, p.Arg922His (NM_130444.3); short protein forms R507H, R922H, R687H.
Identifiers: ClinVar variation 1911908 (VCV001911908.2), dbSNP rs775248850, ClinGen allele CA10066376.
Genomic context (GRCh38, chr21:45,480,767, plus strand): 5'-GAGGCTTCCCTGGACCTCCCGGACCCCCCGGTGTCCCAGGCCTGCCCGGCGAGCCAGGCC[G>A]CTTTGGGGTGAACAGCTCCGACGTCCCAGGACCCGCCGGCCTTCCTGGTGTGCCTGGGCG-3'
Protein context (NP_001366429.1, residues 497-517): GVPGLPGEPG[Arg507His]FGVNSSDVPG

ClinVar aggregate classification (germline): Uncertain significance (1 of 4 stars; one submission).

Allele frequency attached by ClinVar (database versions not stated): gnomAD 0.00002.
gnomAD v4.1: 24 of 1,611,086 alleles (0.0015%); highest among the groups gnomAD compares: Admixed American, 0.0083%; 1 homozygote.

Submission:

Labcorp Genetics (formerly Invitae), Labcorp
Classification: Uncertain significance. Last evaluated: 2022-06-09. Review status: criteria provided, single submitter. Criteria: Invitae Variant Classification Sherloc (09022015). Collection method: clinical testing. Allele origin: germline.
Comment: This sequence change replaces arginine, which is basic and polar, with histidine, which is basic and polar, at codon 507 of the COL18A1 protein (p.Arg507His). This variant is present in population databases (rs775248850, gnomAD 0.009%). This variant has not been reported in the literature in individuals affected with COL18A1-related conditions. Experimental studies and prediction algorithms are not available or were not evaluated, and the functional significance of this variant is currently unknown. In summary, the available evidence is currently insufficient to determine the role of this variant in disease. Therefore, it has been classified as a Variant of Uncertain Significance.